The following is an entry in ClinVar:

NM_000548.5(TSC2):c.4857C>T (p.Phe1619=)

Gene: TSC2 (TSC complex subunit 2; plus strand). Cytogenetic location: 16p13.3.
Variant type: single nucleotide variant.
Coding change: c.4857C>T on transcript NM_000548.5 (MANE Select); coding-DNA position 4857, C replaced by T.
Protein change: p.Phe1619=; no amino-acid change (phenylalanine 1619 retained).
Molecular consequence: synonymous variant.
Genome position (GRCh38, 1-based): chr16:2,086,739, C>T. VCF-style: chr16-2086739-C-T. GRCh37 (hg19) VCF-style: chr16-2136740-C-T.
Other names: c.4656C>T, p.Phe1552= (NM_001077183.3); c.4788C>T, p.Phe1596= (NM_001114382.3); c.4548C>T, p.Phe1516= (NM_001318827.2); c.4512C>T, p.Phe1504= (NM_001318829.2); c.4125C>T, p.Phe1375= (NM_001318831.2); c.4689C>T, p.Phe1563= (NM_001318832.2); c.4659C>T, p.Phe1553= (NM_001363528.2); c.4725C>T, p.Phe1575= (NM_001370404.1); and 1 more.
Identifiers: ClinVar variation 825231 (VCV000825231.16), dbSNP rs1596443022, ClinGen allele CA492959690.
Genomic context (GRCh38, chr16:2,086,739, plus strand): 5'-CAGAGGGCCTCAGCACTGGCCCCACAAACCCATCCGGCCCTGCTCACCCTCAGCCGTCTT[C>T]CACATCGCCACCCTGATGCCCACCAAGGACGTGGACAAGCACCGCTGCGACAAGAAGCGC-3'
Protein context (NP_000539.2, residues 1609-1629): CWHDDIMQAV[Phe1619=]HIATLMPTKD

ClinVar aggregate classification (germline): Benign/Likely benign. Review status: criteria provided, multiple submitters, no conflicts (2 of 4 stars). 4 submissions from 4 submitters: Benign (2); Likely benign (2). Last evaluated 2025-06-05.

Conditions:
Hereditary cancer-predisposing syndrome. Also called: Neoplastic Syndromes, Hereditary; Hereditary Cancer Syndrome; Hereditary neoplastic syndrome; Tumor predisposition. Identifiers: Orphanet 140162, MedGen C0027672, MeSH D009386, MONDO:0015356.
Tuberous sclerosis 2 (TSC2). Identifiers: Orphanet 805, MedGen C1860707, MONDO:0013199, OMIM 613254.

Allele frequency attached by ClinVar (database versions not stated): gnomAD exomes below 0.00001.
gnomAD v4.1: 1 of 1,610,498 alleles (0.000062%); highest among the groups gnomAD compares: Non-Finnish European, 0.000085%; no homozygotes.

Submissions (4):

Myriad Genetics, Inc.
Classification: Benign for Tuberous sclerosis 2. Last evaluated: 2025-06-05. Review status: criteria provided, single submitter. Criteria: Myriad Autosomal Dominant, Autosomal Recessive and X-Linked Classification Criteria (2023). Collection method: clinical testing. Allele origin: unknown.
Comment: This variant is considered benign. This variant is a silent/synonymous amino acid change and it is not expected to impact splicing.

Labcorp Genetics (formerly Invitae), Labcorp
Classification: Likely benign for Tuberous sclerosis 2. Last evaluated: 2025-01-26. Review status: criteria provided, single submitter. Criteria: Invitae Variant Classification Sherloc (09022015). Collection method: clinical testing. Allele origin: germline.

Genome-Nilou Lab
Classification: Benign for Tuberous sclerosis 2. Last evaluated: 2021-11-07. Review status: criteria provided, single submitter. Criteria: ACMG Guidelines, 2015. Collection method: clinical testing. Allele origin: germline. Affected: no.

Ambry Genetics
Classification: Likely benign for Hereditary cancer-predisposing syndrome. Last evaluated: 2019-05-03. Review status: criteria provided, single submitter. Criteria: Ambry Variant Classification Scheme 2023. Collection method: clinical testing. Allele origin: germline.